The following is an entry in ClinVar:

NM_001378454.1(ALMS1):c.11260C>G (p.Leu3754Val)

Gene: ALMS1 (ALMS1 centrosome and basal body associated protein; plus strand). Cytogenetic location: 2p13.1.
Variant type: single nucleotide variant.
Coding change: c.11260C>G on transcript NM_001378454.1 (MANE Select); coding-DNA position 11260, C replaced by G.
Protein change: p.Leu3754Val; replaces leucine 3754 with valine.
Molecular consequence: missense variant.
Genome position (GRCh38, 1-based): chr2:73,573,137, C>G. VCF-style: chr2-73573137-C-G. GRCh37 (hg19) VCF-style: chr2-73800264-C-G.
Other names: c.11263C>G, p.Leu3755Val (NM_015120.4); short protein forms L3755V, L3754V.
Identifiers: ClinVar variation 1799091 (VCV001799091.4), dbSNP rs1286673782, ClinGen allele CA347288694.
Genomic context (GRCh38, chr2:73,573,137, plus strand): 5'-TCTTCGGATTGTCGGCCCTCAGAGGAGAGTGAGCTGCTCACAGATACTACCACCAACATC[C>G]TTTCCGGCACCACTTCTACTGTCGAATCAGATATATTGACCCAAACAGATAGAGAGGTGG-3'
Protein context (NP_001365383.1, residues 3744-3764): ELLTDTTTNI[Leu3754Val]SGTTSTVESD

ClinVar aggregate classification (germline): Uncertain significance. Review status: criteria provided, multiple submitters, no conflicts (2 of 4 stars). 2 submissions from 2 submitters: Uncertain significance (2). Last evaluated 2022-07-01.

Conditions:
Cardiovascular phenotype. Identifiers: MedGen CN230736.
Alstrom syndrome (ALMS). Identifiers: Orphanet 64, MedGen C0268425, MONDO:0008763, OMIM 203800.

Allele frequency attached by ClinVar (database versions not stated): TOPMed below 0.00001; gnomAD 0.00001; gnomAD exomes 0.00001.
gnomAD v4.1: 13 of 1,613,840 alleles (0.00081%); highest among the groups gnomAD compares: African/African-American, 0.0013%; no homozygotes.

Submissions (2):

Labcorp Genetics (formerly Invitae), Labcorp
Classification: Uncertain significance for Alstrom syndrome. Last evaluated: 2022-07-01. Review status: criteria provided, single submitter. Criteria: Invitae Variant Classification Sherloc (09022015). Collection method: clinical testing. Allele origin: germline.
Comment: This sequence change replaces leucine, which is neutral and non-polar, with valine, which is neutral and non-polar, at codon 3755 of the ALMS1 protein (p.Leu3755Val). This variant is present in population databases (no rsID available, gnomAD 0.007%). This variant has not been reported in the literature in individuals affected with ALMS1-related conditions. Experimental studies and prediction algorithms are not available or were not evaluated, and the functional significance of this variant is currently unknown. In summary, the available evidence is currently insufficient to determine the role of this variant in disease. Therefore, it has been classified as a Variant of Uncertain Significance.

Ambry Genetics
Classification: Uncertain significance for Cardiovascular phenotype. Last evaluated: 2022-04-26. Review status: criteria provided, single submitter. Criteria: Ambry Variant Classification Scheme 2023. Collection method: clinical testing. Allele origin: germline.
Comment: The p.L3755V variant (also known as c.11263C>G), located in coding exon 16 of the ALMS1 gene, results from a C to G substitution at nucleotide position 11263. The leucine at codon 3755 is replaced by valine, an amino acid with highly similar properties. This amino acid position is well conserved in available vertebrate species. In addition, this alteration is predicted to be tolerated by in silico analysis. Since supporting evidence is limited at this time, the clinical significance of this alteration remains unclear.